The following is an entry in ClinVar:

ClinVar aggregate classification (germline): Uncertain significance (1 of 4 stars; one submission).

Conditions:
JAG1-related disorder. Also called: JAG1-related condition; JAG1-related disorders.

Submission:

PreventionGenetics, part of Exact Sciences
Classification: Uncertain significance for JAG1-related condition. Last evaluated: 2022-12-26. Review status: criteria provided, single submitter. Criteria: ACMG Guidelines, 2015. Collection method: clinical testing. Allele origin: germline.
Comment: The JAG1 c.2447A>T variant is predicted to result in the amino acid substitution p.Asp816Val. To our knowledge, this variant has not been reported in the literature or in a large population database, indicating this variant is rare. At this time, the clinical significance of this variant is uncertain due to the absence of conclusive functional and genetic evidence.

NM_000214.3(JAG1):c.2447A>T (p.Asp816Val)

Gene: JAG1 (jagged canonical Notch ligand 1; minus strand). Cytogenetic location: 20p12.2.
Variant type: single nucleotide variant.
Coding change: c.2447A>T on transcript NM_000214.3 (MANE Select); coding-DNA position 2447, A replaced by T.
Protein change: p.Asp816Val; replaces aspartic acid 816 with valine.
Molecular consequence: missense variant.
Genome position (GRCh38, 1-based): chr20:10,643,789, T>A on the plus strand (A>T on the coding strand, the complement: JAG1 is on the minus strand). VCF-style: chr20-10643789-T-A. GRCh37 (hg19) VCF-style: chr20-10624437-T-A.
Other names: short protein forms D816V.
Identifiers: ClinVar variation 2629678 (VCV002629678.1), dbSNP rs2514511570, ClinGen allele CA408234579.